The following is an entry in ClinVar:

NM_006000.3(TUBA4A):c.990T>C (p.Ala330=)

Gene: TUBA4A (tubulin alpha 4a; minus strand). Cytogenetic location: 2q35.
Variant type: single nucleotide variant.
Coding change: c.990T>C on transcript NM_006000.3 (MANE Select); coding-DNA position 990, T replaced by C.
Protein change: p.Ala330=; no amino-acid change (alanine 330 retained).
Molecular consequence: synonymous variant.
Genome position (GRCh38, 1-based): chr2:219,250,709, A>G on the plus strand (T>C on the coding strand, the complement: TUBA4A is on the minus strand). VCF-style: chr2-219250709-A-G. GRCh37 (hg19) VCF-style: chr2-220115431-A-G.
Other names: c.945T>C, p.Ala315= (NM_001278552.2).
Identifiers: ClinVar variation 3031575 (VCV003031575.2), dbSNP rs2125069184, ClinGen allele CA431426262.

ClinVar aggregate classification (germline): Likely benign (0 of 4 stars; one submission).

Conditions:
TUBA4A-related disorder. Also called: TUBA4A-related condition.

Submission:

PreventionGenetics, part of Exact Sciences
Classification: Likely benign for TUBA4A-related condition. Last evaluated: 2023-10-03. Review status: no assertion criteria provided. Collection method: clinical testing. Allele origin: germline.
Comment: This variant is classified as likely benign based on ACMG/AMP sequence variant interpretation guidelines (Richards et al. 2015 PMID: 25741868, with internal and published modifications).